The following is an entry in ClinVar:

ClinVar aggregate classification (germline): Uncertain significance (1 of 4 stars; one submission).

Conditions:
Catecholaminergic polymorphic ventricular tachycardia 1. Also called: VENTRICULAR TACHYCARDIA, CATECHOLAMINERGIC POLYMORPHIC, 1, WITH OR WITHOUT ATRIAL DYSFUNCTION AND/OR DILATED CARDIOMYOPATHY; RYR2-Related Catecholaminergic Polymorphic Ventricular Tachycardia; VENTRICULAR TACHYCARDIA, STRESS-INDUCED POLYMORPHIC 1. Identifiers: Orphanet 3286, MedGen C1631597, MONDO:0011484, OMIM 604772.

gnomAD v4.1: 1 of 1,611,314 alleles (0.000062%); highest among the groups gnomAD compares: South Asian, 0.0011%; no homozygotes.

Submission:

Labcorp Genetics (formerly Invitae), Labcorp
Classification: Uncertain significance for Catecholaminergic polymorphic ventricular tachycardia 1. Last evaluated: 2024-12-27. Review status: criteria provided, single submitter. Criteria: Invitae Variant Classification Sherloc (09022015). Collection method: clinical testing. Allele origin: germline.
Comment: This sequence change replaces methionine, which is neutral and non-polar, with valine, which is neutral and non-polar, at codon 2468 of the RYR2 protein (p.Met2468Val). This variant is present in population databases (rs762838178, gnomAD 0.003%). This variant has not been reported in the literature in individuals affected with RYR2-related conditions. Invitae Evidence Modeling of protein sequence and biophysical properties (such as structural, functional, and spatial information, amino acid conservation, physicochemical variation, residue mobility, and thermodynamic stability) indicates that this missense variant is not expected to disrupt RYR2 protein function with a negative predictive value of 95%. In summary, the available evidence is currently insufficient to determine the role of this variant in disease. Therefore, it has been classified as a Variant of Uncertain Significance.

NM_001035.3(RYR2):c.7402A>G (p.Met2468Val)

Gene: RYR2 (ryanodine receptor 2; plus strand). Cytogenetic location: 1q43.
Variant type: single nucleotide variant.
Coding change: c.7402A>G on transcript NM_001035.3 (MANE Select); coding-DNA position 7402, A replaced by G.
Protein change: p.Met2468Val; replaces methionine 2468 with valine.
Molecular consequence: missense variant.
Genome position (GRCh38, 1-based): chr1:237,648,503, A>G. VCF-style: chr1-237648503-A-G. GRCh37 (hg19) VCF-style: chr1-237811803-A-G.
Other names: short protein forms M2468V.
Identifiers: ClinVar variation 3633808 (VCV003633808.2).
Genomic context (GRCh38, chr1:237,648,503, plus strand): 5'-GATGGGAATGTGGTGGAACCTGACATGTCTGCGGGGTTTTGCCCAGATCACAAGGCAGCC[A>G]TGGTTTTATTCCTTGACAGGGTCTATGGGATTGAGGTTCAAGACTTCCTCCTCCATCTTC-3'
Protein context (NP_001026.2, residues 2458-2478): AGFCPDHKAA[Met2468Val]VLFLDRVYGI